The following is an entry in ClinVar:

ClinVar aggregate classification (germline): Uncertain significance (1 of 4 stars; one submission).

Submission:

Ambry Genetics
Classification: Uncertain significance. Last evaluated: 2024-02-22. Review status: criteria provided, single submitter. Criteria: Ambry Variant Classification Scheme 2023. Collection method: clinical testing. Allele origin: germline.
Comment: The p.F116L variant (also known as c.348T>G), located in coding exon 4 of the RINT1 gene, results from a T to G substitution at nucleotide position 348. The phenylalanine at codon 116 is replaced by leucine, an amino acid with highly similar properties. This amino acid position is conserved. In addition, this alteration is predicted to be tolerated by in silico analysis. Based on the available evidence, the clinical significance of this alteration remains unclear.

NM_021930.6(RINT1):c.348T>G (p.Phe116Leu)

Gene: RINT1 (RAD50 interactor 1; plus strand). Cytogenetic location: 7q22.3.
Variant type: single nucleotide variant.
Coding change: c.348T>G on transcript NM_021930.6 (MANE Select); coding-DNA position 348, T replaced by G.
Protein change: p.Phe116Leu; replaces phenylalanine 116 with leucine.
Molecular consequence: missense variant. On other transcripts: 5 prime UTR variant (3), non-coding transcript variant (1).
Genome position (GRCh38, 1-based): chr7:105,542,482, T>G. VCF-style: chr7-105542482-T-G. GRCh37 (hg19) VCF-style: chr7-105182929-T-G.
Other names: c.114T>G, p.Phe38Leu (NM_001346599.2); c.-672T>G (NM_001346600.2); c.-575T>G (NM_001346601.2); c.-195T>G (NM_001346603.2); short protein forms F116L, F38L.
Identifiers: ClinVar variation 3227653 (VCV003227653.1), dbSNP rs2485112520, ClinGen allele CA368803143.